The following is an entry in ClinVar:

ClinVar aggregate classification (germline): Uncertain significance. Review status: criteria provided, multiple submitters, no conflicts (2 of 4 stars). 4 submissions from 4 submitters: Uncertain significance (4). Last evaluated 2025-09-02.

Conditions:
Hereditary cancer-predisposing syndrome. Also called: Hereditary Cancer Syndrome; Hereditary neoplastic syndrome; Neoplastic Syndromes, Hereditary; Tumor predisposition. Identifiers: Orphanet 140162, MedGen C0027672, MeSH D009386, MONDO:0015356.
Nijmegen breakage syndrome-like disorder (NBSLD). Also called: MICROCEPHALY AND SPONTANEOUS CHROMOSOME INSTABILITY WITHOUT IMMUNODEFICIENCY; NBS-LIKE DISORDER; RAD50 DEFICIENCY. Identifiers: Orphanet 240760, MedGen C2751318, MONDO:0013118, OMIM 613078.

Allele frequency attached by ClinVar (database versions not stated): gnomAD exomes 0.00001.
gnomAD v4.1: 15 of 1,613,974 alleles (0.00093%); highest among the groups gnomAD compares: Middle Eastern, 0.017%; no homozygotes.

Submissions (4):

Labcorp Genetics (formerly Invitae), Labcorp
Classification: Uncertain significance for Hereditary cancer-predisposing syndrome. Last evaluated: 2025-09-02. Review status: criteria provided, single submitter. Criteria: Invitae Variant Classification Sherloc (09022015). Collection method: clinical testing. Allele origin: germline.
Comment: This sequence change replaces threonine, which is neutral and polar, with alanine, which is neutral and non-polar, at codon 773 of the RAD50 protein (p.Thr773Ala). This variant is present in population databases (rs762093973, gnomAD 0.003%). This variant has not been reported in the literature in individuals affected with RAD50-related conditions. ClinVar contains an entry for this variant (Variation ID: 408366). Invitae Evidence Modeling of protein sequence and biophysical properties (such as structural, functional, and spatial information, amino acid conservation, physicochemical variation, residue mobility, and thermodynamic stability) indicates that this missense variant is not expected to disrupt RAD50 protein function with a negative predictive value of 80%. In summary, the available evidence is currently insufficient to determine the role of this variant in disease. Therefore, it has been classified as a Variant of Uncertain Significance.

Baylor Genetics
Classification: Uncertain significance for Nijmegen breakage syndrome-like disorder. Last evaluated: 2023-08-11. Review status: criteria provided, single submitter. Criteria: ACMG Guidelines, 2015. Collection method: clinical testing. Allele origin: unknown.

Ambry Genetics
Classification: Uncertain significance for Hereditary cancer-predisposing syndrome. Last evaluated: 2022-11-16. Review status: criteria provided, single submitter. Criteria: Ambry Variant Classification Scheme 2023. Collection method: clinical testing. Allele origin: germline.
Comment: The p.T773A variant (also known as c.2317A>G), located in coding exon 14 of the RAD50 gene, results from an A to G substitution at nucleotide position 2317. The threonine at codon 773 is replaced by alanine, an amino acid with similar properties.This amino acid position is highly conserved in available vertebrate species. In addition, the in silico prediction for this alteration is inconclusive. Since supporting evidence is limited at this time, the clinical significance of this alteration remains unclear.

Sema4
Classification: Uncertain significance for Nijmegen breakage syndrome-like disorder. Last evaluated: 2021-08-06. Review status: criteria provided, single submitter. Criteria: Sema4 Curation Guidelines. Collection method: curation. Allele origin: germline.
Comment: The RAD50 c.2317A>G (p.T773A) variant has not been reported in the literature to our knowledge. It was observed in 3/251112 chromosomes in the large and broad cohorts of the Genome Aggregation Database (PMID: 32461654). The variant has been reported in ClinVar (Variation ID 408366). Functional studies have not been performed, and in silico predictions of the variant's effect on protein function are inconclusive. The evidence is insufficient to meet ACMG/AMP criteria for classifying the variant as benign or pathogenic. Thus, the clinical significance of this variant is currently uncertain.

NM_005732.4(RAD50):c.2317A>G (p.Thr773Ala)

Gene: RAD50 (RAD50 double strand break repair protein; plus strand). Cytogenetic location: 5q31.1.
Variant type: single nucleotide variant.
Coding change: c.2317A>G on transcript NM_005732.4 (MANE Select); coding-DNA position 2317, A replaced by G.
Protein change: p.Thr773Ala; replaces threonine 773 with alanine.
Molecular consequence: missense variant.
Genome position (GRCh38, 1-based): chr5:132,603,409, A>G. VCF-style: chr5-132603409-A-G. GRCh37 (hg19) VCF-style: chr5-131939101-A-G.
Other names: short protein forms T773A.
Identifiers: ClinVar variation 408366 (VCV000408366.16), dbSNP rs762093973, ClinGen allele CA3405367.